The following is an entry in ClinVar:

ClinVar aggregate classification (germline): Uncertain significance. Review status: criteria provided, multiple submitters, no conflicts (2 of 4 stars). 2 submissions from 2 submitters: Uncertain significance (2). Last evaluated 2024-08-05.

Conditions:
Developmental and epileptic encephalopathy, 1 (DEE1). Also called: INFANTILE SPASM SYNDROME, X-LINKED 1; Epileptic encephalopathy, early infantile, 1; X-linked infantile spasms; West's syndrome; Tonic spasms with clustering, arrest of psychomotor development and hypsarrhythmia on EEG; X-Linked Infantile Spasm Syndrome. Identifiers: MedGen C3463992, MONDO:0010632, OMIM 308350. Disease mechanism: loss of function.
Autosomal recessive spinocerebellar ataxia 12. Also called: SPINOCEREBELLAR ATAXIA WITH MENTAL RETARDATION AND EPILEPSY. Identifiers: Orphanet 284282, MedGen C3280452, MONDO:0013687, OMIM 614322.
Inborn genetic diseases. Identifiers: MedGen C0950123, MeSH D030342.

Allele frequency attached by ClinVar (database versions not stated): TOPMed 0.00002; gnomAD exomes 0.00001.
gnomAD v4.1: 12 of 1,614,110 alleles (0.00074%); highest among the groups gnomAD compares: African/African-American, 0.016%; no homozygotes.

Submissions (2):

Labcorp Genetics (formerly Invitae), Labcorp
Classification: Uncertain significance for Developmental and epileptic encephalopathy, 1; Autosomal recessive spinocerebellar ataxia 12. Last evaluated: 2024-08-05. Review status: criteria provided, single submitter. Criteria: Invitae Variant Classification Sherloc (09022015). Collection method: clinical testing. Allele origin: germline.
Comment: This sequence change replaces glutamic acid, which is acidic and polar, with glycine, which is neutral and non-polar, at codon 387 of the WWOX protein (p.Glu387Gly). This variant is present in population databases (no rsID available, gnomAD 0.02%). This variant has not been reported in the literature in individuals affected with WWOX-related conditions. ClinVar contains an entry for this variant (Variation ID: 1023838). Advanced modeling of protein sequence and biophysical properties (such as structural, functional, and spatial information, amino acid conservation, physicochemical variation, residue mobility, and thermodynamic stability) performed at Invitae indicates that this missense variant is not expected to disrupt WWOX protein function with a negative predictive value of 80%. In summary, the available evidence is currently insufficient to determine the role of this variant in disease. Therefore, it has been classified as a Variant of Uncertain Significance.

Ambry Genetics
Classification: Uncertain significance for Inborn genetic diseases. Last evaluated: 2023-12-26. Review status: criteria provided, single submitter. Criteria: Ambry Variant Classification Scheme 2023. Collection method: clinical testing. Allele origin: germline.

NM_016373.4(WWOX):c.1160A>G (p.Glu387Gly)

Genes: MAF (MAF bZIP transcription factor; minus strand), WWOX (WW domain containing oxidoreductase; plus strand). Cytogenetic location: 16q23.2.
Variant type: single nucleotide variant.
Coding change: c.1160A>G on transcript NM_016373.4 (MANE Select); coding-DNA position 1160, A replaced by G.
Protein change: p.Glu387Gly; replaces glutamic acid 387 with glycine.
Molecular consequence: missense variant.
Genome position (GRCh38, 1-based): chr16:79,211,711, A>G. VCF-style: chr16-79211711-A-G. GRCh37 (hg19) VCF-style: chr16-79245608-A-G.
Other names: c.821A>G, p.Glu274Gly (NM_001291997.2); c.1160A>G (NM_016373.2); short protein forms E274G, E387G.
Identifiers: ClinVar variation 1023838 (VCV001023838.6), dbSNP rs1316600993, ClinGen allele CA396537180.